The following is an entry in ClinVar:

ClinVar aggregate classification (germline): Uncertain significance (1 of 4 stars; one submission).

Submission:

GeneDx
Classification: Uncertain significance. Last evaluated: 2023-06-12. Review status: criteria provided, single submitter. Criteria: GeneDx Variant Classification Process June 2021. Collection method: clinical testing. Allele origin: germline. Affected: yes.
Comment: Not observed at significant frequency in large population cohorts (gnomAD); In silico analysis supports that this missense variant has a deleterious effect on protein structure/function; Has not been previously published as pathogenic or benign to our knowledge

NM_006922.4(SCN3A):c.1369G>A (p.Glu457Lys)

Gene: SCN3A (sodium voltage-gated channel alpha subunit 3; minus strand). Cytogenetic location: 2q24.3.
Variant type: single nucleotide variant.
Coding change: c.1369G>A on transcript NM_006922.4 (MANE Select); coding-DNA position 1369, G replaced by A.
Protein change: p.Glu457Lys; replaces glutamic acid 457 with lysine.
Molecular consequence: missense variant.
Genome position (GRCh38, 1-based): chr2:165,154,463, C>T on the plus strand (G>A on the coding strand, the complement: SCN3A is on the minus strand). VCF-style: chr2-165154463-C-T. GRCh37 (hg19) VCF-style: chr2-166010973-C-T.
Other names: c.1369G>A, p.Glu457Lys (NM_001081676.2, NM_001081677.2); short protein forms E457K.
Identifiers: ClinVar variation 3359827 (VCV003359827.1).
Genomic context (GRCh38, chr2:165,154,463, plus strand): 5'-TAGAAACTAATAATAATAATGATAAATCTTTGCTTTTATCACTCAGTACCTGAGCTTCTT[C>T]CTGTTGCTTTTTAAGCTGTTCGAGCATCTGCTGAAATTCGGCCTCTTTTTGTTCTGCTTC-3'
Protein context (NP_008853.3, residues 447-467): QMLEQLKKQQ[Glu457Lys]EAQAVAAASA